The following is an entry in ClinVar:

NM_001042517.2(DIAPH3):c.1773T>A (p.Pro591=)

Gene: DIAPH3 (diaphanous related formin 3; minus strand). Cytogenetic location: 13q21.2.
Variant type: single nucleotide variant.
Coding change: c.1773T>A on transcript NM_001042517.2 (MANE Select); coding-DNA position 1773, T replaced by A.
Protein change: p.Pro591=; no amino-acid change (proline 591 retained).
Molecular consequence: synonymous variant.
Genome position (GRCh38, 1-based): chr13:59,971,038, A>T on the plus strand (T>A on the coding strand, the complement: DIAPH3 is on the minus strand). VCF-style: chr13-59971038-A-T. GRCh37 (hg19) VCF-style: chr13-60545172-A-T.
Other names: c.1740T>A, p.Pro580= (NM_001258366.2); c.1635T>A, p.Pro545= (NM_001258367.2); c.1563T>A, p.Pro521= (NM_001258368.2); c.1773T>A, p.Pro591= (NM_001258369.2); c.984T>A, p.Pro328= (NM_001258370.2, NM_030932.4).
Identifiers: ClinVar variation 761653 (VCV000761653.6), dbSNP rs754971417, ClinGen allele CA484037300.

ClinVar aggregate classification (germline): Likely benign. Review status: criteria provided, single submitter (1 of 4 stars). 2 submissions from 2 submitters: Likely benign (1). 1 of the submissions does not count toward it. Last evaluated 2019-12-31.

Conditions:
DIAPH3-related disorder. Also called: DIAPH3-related condition.

Submissions (2):

Labcorp Genetics (formerly Invitae), Labcorp
Classification: Likely benign. Last evaluated: 2019-12-31. Review status: criteria provided, single submitter. Criteria: Invitae Variant Classification Sherloc (09022015). Collection method: clinical testing. Allele origin: germline.

PreventionGenetics, part of Exact Sciences
Classification: Likely benign for DIAPH3-related condition. Last evaluated: 2024-01-18. Review status: no assertion criteria provided. Collection method: clinical testing. Allele origin: germline. Not counted in ClinVar's aggregate classification.
Comment: This variant is classified as likely benign based on ACMG/AMP sequence variant interpretation guidelines (Richards et al. 2015 PMID: 25741868, with internal and published modifications).